The following is an entry in ClinVar:

NM_020297.4(ABCC9):c.3914A>G (p.His1305Arg)

Genes: ABCC9 (ATP binding cassette subfamily C member 9; minus strand), KCNJ8-AS1 (KCNJ8 antisense RNA 1; plus strand). Cytogenetic location: 12p12.1.
Variant type: single nucleotide variant.
Coding change: c.3914A>G on transcript NM_020297.4 (MANE Select); coding-DNA position 3914, A replaced by G.
Protein change: p.His1305Arg; replaces histidine 1305 with arginine.
Molecular consequence: missense variant.
Genome position (GRCh38, 1-based): chr12:21,815,872, T>C on the plus strand (A>G on the coding strand, the complement: ABCC9 is on the minus strand). VCF-style: chr12-21815872-T-C. GRCh37 (hg19) VCF-style: chr12-21968806-T-C.
Other names: c.3914A>G, p.His1305Arg (NM_001377273.1, NM_005691.4); c.3047A>G, p.His1016Arg (NM_001377274.1); c.3914A>G (NM_005691.2); short protein forms H1016R, H1305R.
Identifiers: ClinVar variation 854151 (VCV000854151.12), dbSNP rs765744015, ClinGen allele CA6480989.
Genomic context (GRCh38, chr12:21,815,872, plus strand): 5'-AGATTATTTTCATATCTGACACACAGATCATGTATCTTGATCTCCCCTTCTTGTGGCCAA[T>C]GTTCTGGAACTTGAGAAGGATCTGGAGGATGGGATGGGGAAATAGACAGATAATAGGCAG-3'
Protein context (NP_064693.2, residues 1295-1315): GTMDPSQVPE[His1305Arg]WPQEGEIKIH

ClinVar aggregate classification (germline): Uncertain significance. Review status: criteria provided, multiple submitters, no conflicts (2 of 4 stars). 2 submissions from 2 submitters: Uncertain significance (2). Last evaluated 2023-09-25.

Conditions:
Cardiovascular phenotype. Identifiers: MedGen CN230736.
Dilated cardiomyopathy 1O (CMD1O). Also called: CARDIOMYOPATHY, DILATED, WITH VENTRICULAR TACHYCARDIA. Identifiers: Orphanet 154, MedGen C1837839, MONDO:0012062, OMIM 608569.

Allele frequency attached by ClinVar (database versions not stated): gnomAD exomes below 0.00001; TOPMed below 0.00001; ExAC 0.00001; gnomAD 0.00002.
gnomAD v4.1: 4 of 1,613,200 alleles (0.00025%); highest among the groups gnomAD compares: African/African-American, 0.004%; no homozygotes.

Submissions (2):

Ambry Genetics
Classification: Uncertain significance for Cardiovascular phenotype. Last evaluated: 2023-09-25. Review status: criteria provided, single submitter. Criteria: Ambry Variant Classification Scheme 2023. Collection method: clinical testing. Allele origin: germline.
Comment: The p.H1305R variant (also known as c.3914A>G), located in coding exon 32 of the ABCC9 gene, results from an A to G substitution at nucleotide position 3914. The histidine at codon 1305 is replaced by arginine, an amino acid with highly similar properties. This amino acid position is not well conserved in available vertebrate species. In addition, this alteration is predicted to be tolerated by in silico analysis. Since supporting evidence is limited at this time, the clinical significance of this alteration remains unclear.

Labcorp Genetics (formerly Invitae), Labcorp
Classification: Uncertain significance for Dilated cardiomyopathy 1O. Last evaluated: 2022-02-06. Review status: criteria provided, single submitter. Criteria: Invitae Variant Classification Sherloc (09022015). Collection method: clinical testing. Allele origin: germline.
Comment: In summary, the available evidence is currently insufficient to determine the role of this variant in disease. Therefore, it has been classified as a Variant of Uncertain Significance. Algorithms developed to predict the effect of missense changes on protein structure and function (SIFT, PolyPhen-2, Align-GVGD) all suggest that this variant is likely to be tolerated. ClinVar contains an entry for this variant (Variation ID: 854151). This variant has not been reported in the literature in individuals affected with ABCC9-related conditions. This variant is present in population databases (rs765744015, gnomAD 0.01%). This sequence change replaces histidine, which is basic and polar, with arginine, which is basic and polar, at codon 1305 of the ABCC9 protein (p.His1305Arg).